The following is an entry in ClinVar:

NM_003482.4(KMT2D):c.16338+2dup

Gene: KMT2D (lysine methyltransferase 2D; minus strand). Cytogenetic location: 12q13.12.
Variant type: Duplication.
Coding change: c.16338+2dup on transcript NM_003482.4 (MANE Select); the canonical splice donor site of the intron after coding-DNA position 16338, one base duplicated (T; older notation c.16338+2dupT).
Molecular consequence: splice donor variant.
Genome position (GRCh38, 1-based): chr12:49,022,588, A duplicated on the plus strand (T on the coding strand, the reverse complement: KMT2D is on the minus strand). VCF-style (leftmost placement, unchanged base first): chr12-49022587-T-TA. GRCh37 (hg19) VCF-style: chr12-49416370-T-TA.
Identifiers: ClinVar variation 2711153 (VCV002711153.3), dbSNP rs2499025565, ClinGen allele CA2697559273.

ClinVar aggregate classification (germline): Uncertain significance (1 of 4 stars; one submission).

Conditions:
Kabuki syndrome. Also called: NIIKAWA-KUROKI SYNDROME; Kabuki make-up syndrome. Identifiers: Orphanet 2322, MedGen C0796004, MONDO:0016512.

Submission:

Labcorp Genetics (formerly Invitae), Labcorp
Classification: Uncertain significance for Kabuki syndrome. Last evaluated: 2025-04-07. Review status: criteria provided, single submitter. Criteria: Invitae Variant Classification Sherloc (09022015). Collection method: clinical testing. Allele origin: germline.
Comment: This sequence change falls in intron 51 of the KMT2D gene. It does not directly change the encoded amino acid sequence of the KMT2D protein. It affects a nucleotide within the consensus splice site. This variant is not present in population databases (gnomAD no frequency). This variant has not been reported in the literature in individuals affected with KMT2D-related conditions. ClinVar contains an entry for this variant (Variation ID: 2711153). Variants that disrupt the consensus splice site are a relatively common cause of aberrant splicing (PMID: 17576681, 9536098). Algorithms developed to predict the effect of sequence changes on RNA splicing suggest that this variant is not likely to affect RNA splicing. In summary, the available evidence is currently insufficient to determine the role of this variant in disease. Therefore, it has been classified as a Variant of Uncertain Significance.

Literature cited by the submitters: PubMed 17576681; PubMed 9536098.